The following is an entry in ClinVar:

NM_003590.5(CUL3):c.827T>C (p.Ile276Thr)

Gene: CUL3 (cullin 3; minus strand). Cytogenetic location: 2q36.2.
Variant type: single nucleotide variant.
Coding change: c.827T>C on transcript NM_003590.5 (MANE Select); coding-DNA position 827, T replaced by C.
Protein change: p.Ile276Thr; replaces isoleucine 276 with threonine.
Molecular consequence: missense variant.
Genome position (GRCh38, 1-based): chr2:224,511,410, A>G on the plus strand (T>C on the coding strand, the complement: CUL3 is on the minus strand). VCF-style: chr2-224511410-A-G. GRCh37 (hg19) VCF-style: chr2-225376127-A-G.
Other names: c.629T>C, p.Ile210Thr (NM_001257197.2); c.845T>C, p.Ile282Thr (NM_001257198.2); short protein forms I276T, I282T, I210T.
Identifiers: ClinVar variation 3645744 (VCV003645744.2).

ClinVar aggregate classification (germline): Uncertain significance (1 of 4 stars; one submission).

gnomAD v4.1: 2 of 1,613,846 alleles (0.00012%); highest among the groups gnomAD compares: African/African-American, 0.0013%; no homozygotes.

Submission:

Labcorp Genetics (formerly Invitae), Labcorp
Classification: Uncertain significance. Last evaluated: 2024-03-13. Review status: criteria provided, single submitter. Criteria: Invitae Variant Classification Sherloc (09022015). Collection method: clinical testing. Allele origin: germline.
Comment: This sequence change replaces isoleucine, which is neutral and non-polar, with threonine, which is neutral and polar, at codon 276 of the CUL3 protein (p.Ile276Thr). This variant is not present in population databases (gnomAD no frequency). This variant has not been reported in the literature in individuals affected with CUL3-related conditions. Advanced modeling of protein sequence and biophysical properties (such as structural, functional, and spatial information, amino acid conservation, physicochemical variation, residue mobility, and thermodynamic stability) performed at Invitae indicates that this missense variant is expected to disrupt CUL3 protein function with a positive predictive value of 80%. In summary, the available evidence is currently insufficient to determine the role of this variant in disease. Therefore, it has been classified as a Variant of Uncertain Significance.